The following is an entry in ClinVar:

ClinVar aggregate classification (germline): Pathogenic. Review status: criteria provided, multiple submitters, no conflicts (2 of 4 stars). 2 submissions from 2 submitters: Pathogenic (2). Last evaluated 2024-10-22.

Conditions:
Hereditary cancer-predisposing syndrome. Also called: Hereditary Cancer Syndrome; Tumor predisposition; Neoplastic Syndromes, Hereditary; Hereditary neoplastic syndrome. Identifiers: Orphanet 140162, MedGen C0027672, MeSH D009386, MONDO:0015356.
Cardiovascular phenotype. Identifiers: MedGen CN230736.
Neurofibromatosis, type 1 (NF1). Also called: VON RECKLINGHAUSEN DISEASE; Neurofibromatosis, type I; NEUROFIBROMATOSIS, TYPE I, SOMATIC; Peripheral type neurofibromatosis. Identifiers: Orphanet 636, MedGen C0027831, MONDO:0018975, OMIM 162200. Disease mechanism: loss of function.

Submissions (2):

Labcorp Genetics (formerly Invitae), Labcorp
Classification: Pathogenic for Neurofibromatosis, type 1. Last evaluated: 2024-10-22. Review status: criteria provided, single submitter. Criteria: Invitae Variant Classification Sherloc (09022015). Collection method: clinical testing. Allele origin: germline.
Comment: This sequence change creates a premature translational stop signal (p.Thr2489Asnfs*26) in the NF1 gene. It is expected to result in an absent or disrupted protein product. Loss-of-function variants in NF1 are known to be pathogenic (PMID: 10712197, 23913538). This variant is not present in population databases (gnomAD no frequency). This variant has not been reported in the literature in individuals affected with NF1-related conditions. For these reasons, this variant has been classified as Pathogenic.

Ambry Genetics
Classification: Pathogenic for Cardiovascular phenotype; Hereditary cancer-predisposing syndrome. Last evaluated: 2023-09-27. Review status: criteria provided, single submitter. Criteria: Ambry Variant Classification Scheme 2023. Collection method: clinical testing. Allele origin: germline.
Comment: The c.7465dupA pathogenic mutation, located in coding exon 50 of the NF1 gene, results from a duplication of A at nucleotide position 7465, causing a translational frameshift with a predicted alternate stop codon (p.T2489Nfs*26). This variant is considered to be rare based on population cohorts in the Genome Aggregation Database (gnomAD). This alteration is expected to result in loss of function by premature protein truncation or nonsense-mediated mRNA decay. As such, this alteration is interpreted as a disease-causing mutation.

Literature cited by the submitters: PubMed 10712197 (cited by Labcorp Genetics (formerly Invitae), Labcorp); PubMed 23913538 (cited by Labcorp Genetics (formerly Invitae), Labcorp).

NM_001042492.3(NF1):c.7528dup (p.Thr2510fs)

Gene: NF1 (neurofibromin 1; plus strand). Cytogenetic location: 17q11.2.
Variant type: Duplication.
Coding change: c.7528dup on transcript NM_001042492.3 (MANE Select); coding-DNA position 7528, one base duplicated (A; older notation c.7528dupA).
Protein change: p.Thr2510fs; shifts the reading frame from threonine 2510.
Molecular consequence: frameshift variant.
Genome position (GRCh38, 1-based): chr17:31,352,327, A duplicated; the last of 2 consecutive A bases (chr17:31,352,326-31,352,327); duplicating either gives the same sequence. VCF-style (leftmost placement, unchanged base first): chr17-31352325-C-CA. GRCh37 (hg19) VCF-style: chr17-29679343-C-CA.
Other names: c.7465dup, p.Thr2489Asnfs (NM_000267.4); c.7465dupA (NM_000267.3); short protein forms T2489fs, T2510fs.
Identifiers: ClinVar variation 3237942 (VCV003237942.3), dbSNP rs2508811747.